The following is an entry in ClinVar:

NM_001046.3(SLC12A2):c.3442C>T (p.Arg1148Trp)

Gene: SLC12A2 (solute carrier family 12 member 2; plus strand). Cytogenetic location: 5q23.3.
Variant type: single nucleotide variant.
Coding change: c.3442C>T on transcript NM_001046.3 (MANE Select); coding-DNA position 3442, C replaced by T.
Protein change: p.Arg1148Trp; replaces arginine 1148 with tryptophan.
Molecular consequence: missense variant. On other transcripts: non-coding transcript variant (1).
Genome position (GRCh38, 1-based): chr5:128,184,795, C>T. VCF-style: chr5-128184795-C-T. GRCh37 (hg19) VCF-style: chr5-127520487-C-T.
Other names: c.3394C>T, p.Arg1132Trp (NM_001256461.2); short protein forms R1148W, R1132W.
Identifiers: ClinVar variation 4884907 (VCV004884907.2).

ClinVar aggregate classification (germline): Uncertain significance (1 of 4 stars; one submission).

gnomAD v4.1: 4 of 1,609,800 alleles (0.00025%); highest among the groups gnomAD compares: Non-Finnish European, 0.00034%; no homozygotes.

Submission:

Dasa
Classification: Uncertain significance. Last evaluated: 2025-12-29. Review status: criteria provided, single submitter. Criteria: DASA Assertion Criteria. Collection method: clinical testing. Allele origin: germline.
Comment: NM_001046.3(SLC12A2):c.3442C>T (p.Arg1148Trp) is a missense variant that results in the substitution of arginine with tryptophan. This variant is rare in population databases. Computational prediction algorithms are consistent with a deleterious effect. The currently available literature and clinical evidence are not sufficient to establish a definitive association between this variant and the reported condition. Therefore, this variant is classified as a variant of uncertain significance.